The following is an entry in ClinVar:

ClinVar aggregate classification (germline): Pathogenic (1 of 4 stars; one submission).

Conditions:
Complement component 3 deficiency. Identifiers: Orphanet 280133, MedGen C3151071, MONDO:0013417, OMIM 613779.

Submission:

Genomenon, Inc
Classification: Pathogenic for Complement component 3 deficiency. Last evaluated: 2025-09-30. Review status: criteria provided, single submitter. Criteria: Genomenon Sequence Variant Interpretation Standards. Collection method: curation. Allele origin: germline. Affected: yes.
Comment: C3 p.Thr1333GlnfsTer13 (c.3997del) is a frameshift variant that results in the production of a truncated protein which is predicted to undergo nonsense-mediated mRNA decay. This variant has been observed in at least one proband affected with C3 deficiency (PMID:21676463). It is absent or not present at a significant frequency in gnomAD. In conclusion, we classify C3 p.Thr1333GlnfsTer13 (c.3997del) as a pathogenic variant.

Literature cited by the submitters: PubMed 21676463.

NM_000064.4(C3):c.3997del (p.Thr1333fs)

Gene: C3 (complement C3; minus strand). Cytogenetic location: 19p13.3.
Variant type: Deletion.
Coding change: c.3997del on transcript NM_000064.4 (MANE Select); coding-DNA position 3997, one base deleted (A; older notation c.3997delA).
Protein change: p.Thr1333fs; shifts the reading frame from threonine 1333.
Molecular consequence: frameshift variant.
Genome position (GRCh38, 1-based): chr19:6,684,807, T deleted on the plus strand (A on the coding strand, the reverse complement: C3 is on the minus strand). VCF-style (leftmost placement, unchanged base first): chr19-6684806-GT-G. GRCh37 (hg19) VCF-style: chr19-6684817-GT-G.
Other names: short protein forms T1333fs.
Identifiers: ClinVar variation 4280184 (VCV004280184.1).